The following is an entry in ClinVar:

NM_001164508.2(NEB):c.23955G>C (p.Lys7985Asn)

Genes: NEB (nebulin; minus strand), RIF1 (replication timing regulatory factor 1; plus strand). Cytogenetic location: 2q23.3.
Variant type: single nucleotide variant.
Coding change: c.23955G>C on transcript NM_001164508.2 (MANE Select); coding-DNA position 23955, G replaced by C.
Protein change: p.Lys7985Asn; replaces lysine 7985 with asparagine.
Molecular consequence: missense variant. On other transcripts: intron variant (1).
Genome position (GRCh38, 1-based): chr2:151,501,457, C>G on the plus strand (G>C on the coding strand, the complement: NEB is on the minus strand). VCF-style: chr2-151501457-C-G. GRCh37 (hg19) VCF-style: chr2-152357971-C-G.
Other names: c.23955G>C, p.Lys7985Asn (NM_001164507.2); c.24060G>C, p.Lys8020Asn (NM_001271208.2); c.18825+1336G>C (NM_004543.5); short protein forms K8020N, K7985N.
Identifiers: ClinVar variation 1416196 (VCV001416196.5), dbSNP rs1189932875, ClinGen allele CA348780624.

ClinVar aggregate classification (germline): Uncertain significance (1 of 4 stars; one submission).

Conditions:
Nemaline myopathy 2 (NEM2). Also called: Nemaline myopathy 2, autosomal recessive. Identifiers: MedGen C1850569, MONDO:0009725, OMIM 256030.

Allele frequency attached by ClinVar (database versions not stated): TOPMed 0.00001.

Submission:

Labcorp Genetics (formerly Invitae), Labcorp
Classification: Uncertain significance for Nemaline myopathy 2. Last evaluated: 2021-08-31. Review status: criteria provided, single submitter. Criteria: Invitae Variant Classification Sherloc (09022015). Collection method: clinical testing. Allele origin: germline.
Comment: This sequence change replaces lysine with asparagine at codon 8020 of the NEB protein (p.Lys8020Asn). The lysine residue is weakly conserved and there is a moderate physicochemical difference between lysine and asparagine. This variant is not present in population databases (ExAC no frequency). This variant has not been reported in the literature in individuals affected with NEB-related conditions. Algorithms developed to predict the effect of missense changes on protein structure and function are either unavailable or do not agree on the potential impact of this missense change (SIFT: "Deleterious"; PolyPhen-2: "Not Available"; Align-GVGD: "Class C0"). In summary, the available evidence is currently insufficient to determine the role of this variant in disease. Therefore, it has been classified as a Variant of Uncertain Significance.